The following is an entry in ClinVar:

ClinVar aggregate classification (germline): Uncertain significance. Review status: criteria provided, multiple submitters, no conflicts (2 of 4 stars). 2 submissions from 2 submitters: Uncertain significance (2). Last evaluated 2025-09-01.

Conditions:
Fanconi anemia complementation group P. Also called: SLX4-Related Fanconi Anemia. Identifiers: Orphanet 84, MedGen C3469542, MONDO:0013499, OMIM 613951.
Fanconi anemia (FA). Also called: Fanconi's anemia. Identifiers: Orphanet 84, MedGen C0015625, MeSH D005199, MONDO:0019391.

Allele frequency attached by ClinVar (database versions not stated): TOPMed 0.00002.
gnomAD v4.1: 13 of 1,594,996 alleles (0.00082%); highest among the groups gnomAD compares: Non-Finnish European, 0.0011%; no homozygotes.

Submissions (2):

Labcorp Genetics (formerly Invitae), Labcorp
Classification: Uncertain significance for Fanconi anemia. Last evaluated: 2025-09-01. Review status: criteria provided, single submitter. Criteria: Invitae Variant Classification Sherloc (09022015). Collection method: clinical testing. Allele origin: germline.
Comment: This sequence change replaces serine, which is neutral and polar, with asparagine, which is neutral and polar, at codon 1417 of the SLX4 protein (p.Ser1417Asn). This variant is present in population databases (no rsID available, gnomAD 0.0009%). This variant has not been reported in the literature in individuals affected with SLX4-related conditions. ClinVar contains an entry for this variant (Variation ID: 1470938). An algorithm developed to predict the effect of missense changes on protein structure and function outputs the following: PolyPhen-2: "Benign". The asparagine amino acid residue is found in multiple mammalian species, which suggests that this missense change does not adversely affect protein function. In summary, the available evidence is currently insufficient to determine the role of this variant in disease. Therefore, it has been classified as a Variant of Uncertain Significance.

Fulgent Genetics
Classification: Uncertain significance for Fanconi anemia complementation group P. Last evaluated: 2024-02-02. Review status: criteria provided, single submitter. Criteria: ACMG Guidelines, 2015. Collection method: clinical testing. Allele origin: germline.

NM_032444.4(SLX4):c.4250G>A (p.Ser1417Asn)

Gene: SLX4 (SLX4 structure-specific endonuclease subunit; minus strand). Cytogenetic location: 16p13.3.
Variant type: single nucleotide variant.
Coding change: c.4250G>A on transcript NM_032444.4 (MANE Select); coding-DNA position 4250, G replaced by A.
Protein change: p.Ser1417Asn; replaces serine 1417 with asparagine.
Molecular consequence: missense variant.
Genome position (GRCh38, 1-based): chr16:3,589,388, C>T on the plus strand (G>A on the coding strand, the complement: SLX4 is on the minus strand). VCF-style: chr16-3589388-C-T. GRCh37 (hg19) VCF-style: chr16-3639389-C-T.
Other names: short protein forms S1417N.
Identifiers: ClinVar variation 1470938 (VCV001470938.9), dbSNP rs1158558800, ClinGen allele CA394517954.
Genomic context (GRCh38, chr16:3,589,388, plus strand): 5'-GGAATTGGCGAGAGGGGCTCCATGTGCCAGCAGCAGTCGTCAATTGGAATTGGGGGGTCA[C>T]TGTCCAGTGGGGGGCTTCTGTTGGCCTGATGGGAGGCCACCTCCTGCTCATCGTCACTGT-3'
Protein context (NP_115820.2, residues 1407-1427): HQANRSPPLD[Ser1417Asn]DPPIPIDDCC